The following is an entry in ClinVar:

NM_002010.3(FGF9):c.278-14C>T

Gene: FGF9 (fibroblast growth factor 9; plus strand). Cytogenetic location: 13q12.11.
Variant type: single nucleotide variant.
Coding change: c.278-14C>T on transcript NM_002010.3 (MANE Select); 14 bases into the intron before coding-DNA position 278, C replaced by T.
Molecular consequence: intron variant.
Genome position (GRCh38, 1-based): chr13:21,681,028, C>T. VCF-style: chr13-21681028-C-T. GRCh37 (hg19) VCF-style: chr13-22255167-C-T.
Identifiers: ClinVar variation 311421 (VCV000311421.23), dbSNP rs3818460, ClinGen allele CA6909458.

ClinVar aggregate classification (germline): Benign. Review status: criteria provided, multiple submitters, no conflicts (2 of 4 stars). 7 submissions from 7 submitters: Benign (5). 2 of the submissions do not count toward it. Last evaluated 2026-02-02.

Conditions:
Multiple synostoses syndrome 3 (SYNS3). Identifiers: Orphanet 3237, MedGen C2751826, MONDO:0013064, OMIM 612961.

Allele frequency attached by ClinVar (database versions not stated): ESP Exome Variant Server 0.24704; 1000 Genomes Project 30x 0.25062; TOPMed 0.25235; 1000 Genomes Project 0.25339; gnomAD 0.25974 and 0.26631; ExAC 0.32145; gnomAD exomes 0.33035 and 0.33604.
gnomAD v4.1: 523,887 of 1,593,100 alleles (33%); highest among the groups gnomAD compares: East Asian, 39%; 89,600 homozygotes.

Submissions (7):

Labcorp Genetics (formerly Invitae), Labcorp
Classification: Benign. Last evaluated: 2026-02-02. Review status: criteria provided, single submitter. Criteria: Invitae Variant Classification Sherloc (09022015). Collection method: clinical testing. Allele origin: germline.

Genome-Nilou Lab
Classification: Benign for Multiple synostoses syndrome 3. Last evaluated: 2021-08-10. Review status: criteria provided, single submitter. Criteria: ACMG Guidelines, 2015. Collection method: clinical testing. Allele origin: germline. Affected: no.

GeneDx
Classification: Benign. Last evaluated: 2018-11-11. Review status: criteria provided, single submitter. Criteria: GeneDx Variant Classification Process June 2021. Collection method: clinical testing. Allele origin: germline. Affected: yes.

Illumina Laboratory Services, Illumina
Classification: Benign for Multiple synostoses syndrome 3. Last evaluated: 2018-01-12. Review status: criteria provided, single submitter. Criteria: ICSL Variant Classification Criteria 13 December 2019. Collection method: clinical testing. Allele origin: germline.
Comment: This variant was observed in the ICSL laboratory as part of a predisposition screen in an ostensibly healthy population. It had not been previously curated by ICSL or reported in the Human Gene Mutation Database (HGMD: prior to June 1st, 2018), and was therefore a candidate for classification through an automated scoring system. Utilizing variant allele frequency, disease prevalence and penetrance estimates, and inheritance mode, an automated score was calculated to assess if this variant is too frequent to cause the disease. Based on the score and internal cut-off values, a variant classified as benign is not then subjected to further curation. The score for this variant resulted in a classification of benign for this disease.

Breakthrough Genomics
Classification: Benign. Review status: criteria provided, single submitter. Criteria: ACMG Guidelines, 2015. Collection method: not provided. Allele origin: germline. Inheritance: Autosomal dominant inheritance. Affected: yes.

Diagnostic Laboratory, Department of Genetics, University Medical Center Groningen
Classification: Benign. Review status: no assertion criteria provided. Collection method: clinical testing. Allele origin: germline. Affected: yes. Study: VKGL Data-share Consensus. Not counted in ClinVar's aggregate classification.

Joint Genome Diagnostic Labs from Nijmegen and Maastricht, Radboudumc and MUMC+
Classification: Benign. Review status: no assertion criteria provided. Collection method: clinical testing. Allele origin: germline. Affected: yes. Study: VKGL Data-share Consensus. Not counted in ClinVar's aggregate classification.